The following is an entry in ClinVar:

ClinVar aggregate classification (germline): Uncertain significance (1 of 4 stars; one submission).

Conditions:
Cardiovascular phenotype. Identifiers: MedGen CN230736.

Submission:

Ambry Genetics
Classification: Uncertain significance for Cardiovascular phenotype. Last evaluated: 2022-11-10. Review status: criteria provided, single submitter. Criteria: Ambry Variant Classification Scheme 2023. Collection method: clinical testing. Allele origin: germline.
Comment: The p.N40D variant (also known as c.118A>G), located in coding exon 1 of the MYPN gene, results from an A to G substitution at nucleotide position 118. The asparagine at codon 40 is replaced by aspartic acid, an amino acid with highly similar properties. This amino acid position is conserved. In addition, this alteration is predicted to be tolerated by in silico analysis. Since supporting evidence is limited at this time, the clinical significance of this alteration remains unclear.

NM_032578.4(MYPN):c.118A>G (p.Asn40Asp)

Gene: MYPN (myopalladin; plus strand). Cytogenetic location: 10q21.3.
Variant type: single nucleotide variant.
Coding change: c.118A>G on transcript NM_032578.4 (MANE Select); coding-DNA position 118, A replaced by G.
Protein change: p.Asn40Asp; replaces asparagine 40 with aspartic acid.
Molecular consequence: missense variant. On other transcripts: 5 prime UTR variant (1), non-coding transcript variant (1).
Genome position (GRCh38, 1-based): chr10:68,121,556, A>G. VCF-style: chr10-68121556-A-G. GRCh37 (hg19) VCF-style: chr10-69881313-A-G.
Other names: c.118A>G, p.Asn40Asp (NM_001256267.2); c.-1005A>G (NM_001256268.2); short protein forms N40D.
Identifiers: ClinVar variation 2449125 (VCV002449125.2), dbSNP rs2495460352, ClinGen allele CA377103643.